The following is an entry in ClinVar:

ClinVar aggregate classification (germline): Uncertain significance (1 of 4 stars; one submission).

Conditions:
Ehlers-Danlos syndrome, classic type, 1 (EDSCL1). Also called: EHLERS-DANLOS SYNDROME, GRAVIS TYPE; EHLERS-DANLOS SYNDROME, SEVERE CLASSIC TYPE; Ehlers-Danlos syndrome, type 1; Ehlers-Danlos Syndrome, Classic Type, COL5A1-Related; EDS I. Identifiers: MedGen C0268335, MONDO:0019567, OMIM 130000.

Submission:

Labcorp Genetics (formerly Invitae), Labcorp
Classification: Uncertain significance for Ehlers-Danlos syndrome, classic type, 1. Last evaluated: 2024-01-07. Review status: criteria provided, single submitter. Criteria: Invitae Variant Classification Sherloc (09022015). Collection method: clinical testing. Allele origin: germline.
Comment: This variant, c.1066_1068del, results in the deletion of 1 amino acid(s) of the COL5A1 protein (p.Thr356del), but otherwise preserves the integrity of the reading frame. This variant is not present in population databases (gnomAD no frequency). This variant has not been reported in the literature in individuals affected with COL5A1-related conditions. Experimental studies and prediction algorithms are not available or were not evaluated, and the functional significance of this variant is currently unknown. In summary, the available evidence is currently insufficient to determine the role of this variant in disease. Therefore, it has been classified as a Variant of Uncertain Significance.

NM_000093.5(COL5A1):c.1066_1068del (p.Thr356del)

Gene: COL5A1 (collagen type V alpha 1 chain; plus strand). Cytogenetic location: 9q34.3.
Variant type: Deletion.
Coding change: c.1066_1068del on transcript NM_000093.5 (MANE Select); coding-DNA positions 1066 to 1068, 3 bases deleted (ACC; older notation c.1066_1068delACC).
Protein change: p.Thr356del; deletes threonine 356.
Molecular consequence: inframe deletion.
Genome position (GRCh38, 1-based): chr9:134,730,377-134,730,379, ACC deleted; deleting any 3 consecutive bases within chr9:134,730,376-134,730,379 gives the same sequence; the c. name uses the placement nearest the transcript's 3' end. VCF-style (leftmost placement, unchanged base first): chr9-134730375-TCAC-T. GRCh37 (hg19) VCF-style: chr9-137622221-TCAC-T.
Other names: c.1066_1068del, p.Thr356del (NM_001278074.1); short protein forms T356del.
Identifiers: ClinVar variation 2706225 (VCV002706225.3), dbSNP rs2490501589, ClinGen allele CA2697552040.
Genomic context (GRCh38, chr9:134,730,375, plus strand): 5'-TCGGGGACTATGACTACGTGCCCAGTGAGGACTACTACACGCCCTCACCGTATGATGACC[TCAC>T]CTATGGCGAGGGGGAGGAGAACCCCGACCAGCCCACAGACCCAGGCGCTGGGGCCGAAAT-3'